The following is an entry in ClinVar:

NM_014679.5(CEP57):c.83T>C (p.Met28Thr)

Gene: CEP57 (centrosomal protein 57; plus strand). Cytogenetic location: 11q21.
Variant type: single nucleotide variant.
Coding change: c.83T>C on transcript NM_014679.5 (MANE Select); coding-DNA position 83, T replaced by C.
Protein change: p.Met28Thr; replaces methionine 28 with threonine.
Molecular consequence: missense variant. On other transcripts: initiator codon variant (7).
Genome position (GRCh38, 1-based): chr11:95,799,269, T>C. VCF-style: chr11-95799269-T-C. GRCh37 (hg19) VCF-style: chr11-95532433-T-C.
Other names: c.2T>C, p.Met1Thr (NM_001440870.1, NM_001440875.1, NM_001440877.1 and 4 more transcripts); c.83T>C, p.Met28Thr (NM_001440871.1, NM_001440872.1, NM_001440873.1 and 6 more transcripts); c.56T>C, p.Met19Thr (NM_001243776.2); short protein forms M1T, M28T, M19T.
Identifiers: ClinVar variation 4613613 (VCV004613613.1).

ClinVar aggregate classification (germline): Uncertain significance (1 of 4 stars; one submission).

Conditions:
Inborn genetic diseases. Identifiers: MedGen C0950123, MeSH D030342.

gnomAD v4.1: 3 of 1,614,072 alleles (0.00019%); highest among the groups gnomAD compares: East Asian, 0.0022%; no homozygotes.

Submission:

Ambry Genetics
Classification: Uncertain significance for Inborn genetic diseases. Last evaluated: 2025-11-05. Review status: criteria provided, single submitter. Criteria: Ambry Variant Classification Scheme 2023. Collection method: clinical testing. Allele origin: germline.
Comment: The p.M28T variant (also known as c.83T>C), located in coding exon 2 of the CEP57 gene, results from a T to C substitution at nucleotide position 83. The methionine at codon 28 is replaced by threonine, an amino acid with similar properties. This amino acid position is conserved. In addition, this alteration is predicted to be tolerated by in silico analysis. Based on the available evidence, the clinical significance of this variant remains unclear.